The following is an entry in ClinVar:

ClinVar aggregate classification (germline): Conflicting classifications of pathogenicity. Review status: criteria provided, conflicting classifications (1 of 4 stars). 4 submissions from 4 submitters: Uncertain significance (1); Likely benign (3). Last evaluated 2026-06-25.

Conditions:
Inborn genetic diseases. Identifiers: MedGen C0950123, MeSH D030342.
POLG-related disorder. Also called: POLG-Related Spectrum Disorders; POLG-related condition; POLG-Related Disorders. Identifiers: MedGen C4763519.
Progressive sclerosing poliodystrophy (MTDPS4A). Also called: Mitochondrial DNA Depletion Syndrome 4A; ALPERS DIFFUSE DEGENERATION OF CEREBRAL GRAY MATTER WITH HEPATIC CIRRHOSIS; Alpers-Huttenlocher Syndrome; ALPERS PROGRESSIVE INFANTILE POLIODYSTROPHY; Alpers Syndrome; Alpers-Huttenlocher Syndrome (AHS). Identifiers: Orphanet 726, MedGen C0205710, MONDO:0008758, OMIM 203700.

Allele frequency attached by ClinVar (database versions not stated): TOPMed below 0.00001; gnomAD exomes 0.00001; ExAC 0.00002.
gnomAD v4.1: 7 of 1,614,112 alleles (0.00043%); highest among the groups gnomAD compares: South Asian, 0.0033%; no homozygotes.

Submissions (4):

PreventionGenetics, part of Exact Sciences
Classification: Likely benign for POLG-related condition. Last evaluated: 2026-06-25. Review status: criteria provided, single submitter. Criteria: ACMG Guidelines, 2015. Collection method: clinical testing. Allele origin: germline.
Comment: This variant is classified as likely benign based on ACMG/AMP sequence variant interpretation guidelines (Richards et al. 2015 PMID: 25741868, with internal and published modifications).

Labcorp Genetics (formerly Invitae), Labcorp
Classification: Likely benign for Progressive sclerosing poliodystrophy. Last evaluated: 2025-10-11. Review status: criteria provided, single submitter. Criteria: Invitae Variant Classification Sherloc (09022015). Collection method: clinical testing. Allele origin: germline.

Ambry Genetics
Classification: Likely benign for Inborn genetic diseases. Last evaluated: 2019-09-18. Review status: criteria provided, single submitter. Criteria: Ambry Variant Classification Scheme 2023. Collection method: clinical testing. Allele origin: germline.

Illumina Laboratory Services, Illumina
Classification: Uncertain significance for POLG-Related Spectrum Disorders. Last evaluated: 2018-01-12. Review status: criteria provided, single submitter. Criteria: ICSL Variant Classification Criteria 13 December 2019. Collection method: clinical testing. Allele origin: germline.

NM_002693.3(POLG):c.1062C>T (p.Asn354=)

Gene: POLG (DNA polymerase gamma, catalytic subunit; minus strand). Cytogenetic location: 15q26.1.
Variant type: single nucleotide variant.
Coding change: c.1062C>T on transcript NM_002693.3 (MANE Select); coding-DNA position 1062, C replaced by T.
Protein change: p.Asn354=; no amino-acid change (asparagine 354 retained).
Molecular consequence: synonymous variant.
Genome position (GRCh38, 1-based): chr15:89,328,793, G>A on the plus strand (C>T on the coding strand, the complement: POLG is on the minus strand). VCF-style: chr15-89328793-G-A. GRCh37 (hg19) VCF-style: chr15-89872024-G-A.
Other names: c.1062C>T, p.Asn354= (NM_001126131.2).
Identifiers: ClinVar variation 887021 (VCV000887021.14), dbSNP rs778662837, ClinGen allele CA7724960.